The following is an entry in ClinVar:

NM_001170629.2(CHD8):c.7594C>T (p.Pro2532Ser)

Gene: CHD8 (chromodomain helicase DNA binding protein 8; minus strand). Cytogenetic location: 14q11.2.
Variant type: single nucleotide variant.
Coding change: c.7594C>T on transcript NM_001170629.2 (MANE Select); coding-DNA position 7594, C replaced by T.
Protein change: p.Pro2532Ser; replaces proline 2532 with serine.
Molecular consequence: missense variant.
Genome position (GRCh38, 1-based): chr14:21,385,765, G>A on the plus strand (C>T on the coding strand, the complement: CHD8 is on the minus strand). VCF-style: chr14-21385765-G-A. GRCh37 (hg19) VCF-style: chr14-21853924-G-A.
Other names: c.6757C>T, p.Pro2253Ser (NM_020920.4); short protein forms P2253S, P2532S.
Identifiers: ClinVar variation 5009711 (VCV005009711.1).

ClinVar aggregate classification (germline): Uncertain significance (1 of 4 stars; one submission).

Submission:

GeneDx
Classification: Uncertain significance. Last evaluated: 2026-02-20. Review status: criteria provided, single submitter. Criteria: GeneDx Variant Classification Process June 2021. Collection method: clinical testing. Allele origin: germline.
Comment: Not observed at significant frequency in large population cohorts (gnomAD); In silico analysis suggests that this missense variant does not alter protein structure/function; Has not been previously published as pathogenic or benign to our knowledge